The following is an entry in ClinVar:

NM_001184.4(ATR):c.602A>C (p.Asn201Thr)

Gene: ATR (ATR checkpoint kinase; minus strand). Cytogenetic location: 3q23.
Variant type: single nucleotide variant.
Coding change: c.602A>C on transcript NM_001184.4 (MANE Select); coding-DNA position 602, A replaced by C.
Protein change: p.Asn201Thr; replaces asparagine 201 with threonine.
Molecular consequence: missense variant.
Genome position (GRCh38, 1-based): chr3:142,562,800, T>G on the plus strand (A>C on the coding strand, the complement: ATR is on the minus strand). VCF-style: chr3-142562800-T-G. GRCh37 (hg19) VCF-style: chr3-142281642-T-G.
Other names: c.602A>C, p.Asn201Thr (NM_001354579.2); short protein forms N201T.
Identifiers: ClinVar variation 2567809 (VCV002567809.2), dbSNP rs2473428742, ClinGen allele CA354826301.

ClinVar aggregate classification (germline): Uncertain significance (1 of 4 stars; one submission).

Conditions:
Inborn genetic diseases. Identifiers: MedGen C0950123, MeSH D030342.

Submission:

Ambry Genetics
Classification: Uncertain significance for Inborn genetic diseases. Last evaluated: 2023-04-09. Review status: criteria provided, single submitter. Criteria: Ambry Variant Classification Scheme 2023. Collection method: clinical testing. Allele origin: germline.
Comment: The p.N201T variant (also known as c.602A>C), located in coding exon 4 of the ATR gene, results from an A to C substitution at nucleotide position 602. The asparagine at codon 201 is replaced by threonine, an amino acid with similar properties. This amino acid position is conserved. In addition, this alteration is predicted to be tolerated by in silico analysis. Since supporting evidence is limited at this time, the clinical significance of this alteration remains unclear.